The following is an entry in ClinVar:

ClinVar aggregate classification (germline): Uncertain significance (1 of 4 stars; one submission).

gnomAD v4.1: 27 of 1,612,950 alleles (0.0017%); highest among the groups gnomAD compares: Non-Finnish European, 0.0022%; no homozygotes.

Submission:

Ambry Genetics
Classification: Uncertain significance. Last evaluated: 2025-11-20. Review status: criteria provided, single submitter. Criteria: Ambry Variant Classification Scheme 2023. Collection method: clinical testing. Allele origin: germline.
Comment: The c.1393G>C (p.V465L) alteration is located in exon 11 (coding exon 11) of the C2 gene. This alteration results from a G to C substitution at nucleotide position 1393, causing the valine (V) at amino acid position 465 to be replaced by a leucine (L). Based on data from gnomAD, the C allele has an overall frequency of 0.001% (2/277936) total alleles studied. The highest observed frequency was 0.002% (2/126064) of European (non-Finnish) alleles. Based on insufficient or conflicting evidence, the clinical significance of this alteration remains unclear.

NM_000063.6(C2):c.1393G>C (p.Val465Leu)

Gene: C2 (complement C2; plus strand). Cytogenetic location: 6p21.33.
Variant type: single nucleotide variant.
Coding change: c.1393G>C on transcript NM_000063.6 (MANE Select); coding-DNA position 1393, G replaced by C.
Protein change: p.Val465Leu; replaces valine 465 with leucine.
Molecular consequence: missense variant.
Genome position (GRCh38, 1-based): chr6:31,943,257, G>C. VCF-style: chr6-31943257-G-C. GRCh37 (hg19) VCF-style: chr6-31911034-G-C.
Other names: c.997G>C, p.Val333Leu (NM_001145903.3); c.751G>C, p.Val251Leu (NM_001178063.3); c.655G>C, p.Val219Leu (NM_001282457.2); c.1306G>C, p.Val436Leu (NM_001282458.2); short protein forms V333L, V436L, V251L, V465L, V219L.
Identifiers: ClinVar variation 4647209 (VCV004647209.1).
Genomic context (GRCh38, chr6:31,943,257, plus strand): 5'-CTTCCCCATCTGATCCTCACACCCACAGATGTCTCCAAGCTCACAGACACCATCTGCGGG[G>C]TGGGGAACATGTCAGCAAACGCCTCTGACCAGGAGAGGACACCCTGGCATGTCACTATTA-3'
Protein context (NP_000054.2, residues 455-475): VSKLTDTICG[Val465Leu]GNMSANASDQ